The following is an entry in ClinVar:

ClinVar aggregate classification (germline): Uncertain significance (1 of 4 stars; one submission).

Conditions:
Hereditary cancer-predisposing syndrome. Also called: Hereditary neoplastic syndrome; Tumor predisposition; Hereditary Cancer Syndrome; Neoplastic Syndromes, Hereditary. Identifiers: Orphanet 140162, MedGen C0027672, MeSH D009386, MONDO:0015356.

gnomAD v4.1: 2 of 1,565,268 alleles (0.00013%); highest among the groups gnomAD compares: Non-Finnish European, 0.00017%; no homozygotes.

Submission:

Ambry Genetics
Classification: Uncertain significance for Hereditary cancer-predisposing syndrome. Last evaluated: 2023-06-21. Review status: criteria provided, single submitter. Criteria: Ambry Variant Classification Scheme 2023. Collection method: clinical testing. Allele origin: germline.
Comment: The p.H1278Q variant (also known as c.3834T>A), located in coding exon 10 of the BRCA2 gene, results from a T to A substitution at nucleotide position 3834. The histidine at codon 1278 is replaced by glutamine, an amino acid with highly similar properties. This amino acid position is conserved. In addition, this alteration is predicted to be tolerated by in silico analysis. Since supporting evidence is limited at this time, the clinical significance of this alteration remains unclear.

NM_000059.4(BRCA2):c.3834T>A (p.His1278Gln)

Gene: BRCA2 (BRCA2 DNA repair associated; plus strand). Cytogenetic location: 13q13.1.
Variant type: single nucleotide variant.
Coding change: c.3834T>A on transcript NM_000059.4 (MANE Select); coding-DNA position 3834, T replaced by A.
Protein change: p.His1278Gln; replaces histidine 1278 with glutamine.
Molecular consequence: missense variant. On other transcripts: non-coding transcript variant (1), intron variant (2).
Genome position (GRCh38, 1-based): chr13:32,338,189, T>A. VCF-style: chr13-32338189-T-A. GRCh37 (hg19) VCF-style: chr13-32912326-T-A.
Other names: c.3834T>A, p.His1278Gln (NM_001406719.1, NM_001406720.1); c.1909+4802T>A (NM_001406721.1); c.425-6369T>A (NM_001406722.1); short protein forms H1278Q.
Identifiers: ClinVar variation 2586273 (VCV002586273.2), dbSNP rs2548527019, ClinGen allele CA387778548.